The following is an entry in ClinVar:

NM_021160.3(ABHD16A):c.755G>A (p.Arg252Gln)

Gene: ABHD16A (abhydrolase domain containing 16A, phospholipase; minus strand). Cytogenetic location: 6p21.33.
Variant type: single nucleotide variant.
Coding change: c.755G>A on transcript NM_021160.3 (MANE Select); coding-DNA position 755, G replaced by A.
Protein change: p.Arg252Gln; replaces arginine 252 with glutamine.
Molecular consequence: missense variant. On other transcripts: non-coding transcript variant (2).
Genome position (GRCh38, 1-based): chr6:31,691,667, C>T on the plus strand (G>A on the coding strand, the complement: ABHD16A is on the minus strand). VCF-style: chr6-31691667-C-T. GRCh37 (hg19) VCF-style: chr6-31659444-C-T.
Other names: c.656G>A, p.Arg219Gln (NM_001177515.2); short protein forms R219Q, R252Q.
Identifiers: ClinVar variation 1199393 (VCV001199393.1), dbSNP rs1803887518, ClinGen allele CA363340955.

ClinVar aggregate classification (germline): Uncertain significance (1 of 4 stars; one submission).

Conditions:
Spastic paraplegia. Identifiers: MedGen C0037772, HP:0001258.

Allele frequency attached by ClinVar (database versions not stated): TOPMed below 0.00001.
gnomAD v4.1: 6 of 1,604,772 alleles (0.00037%); highest among the groups gnomAD compares: East Asian, 0.0023%; no homozygotes.

Submission:

Care4Rare-SOLVE, CHEO
Classification: Uncertain significance for Spastic paraplegia. Last evaluated: 2021-07-01. Review status: criteria provided, single submitter. Criteria: ACMG Guidelines, 2015. Collection method: research. Allele origin: germline. Affected: yes. Observed: 2 variant alleles, 2 homozygotes.
Comment: This variant was identified in siblings affected with a complex form of hereditary spastic paraplegia. In silico programs predict a deleterious effect on the protein (CADD, MutationTaster, Polyphen-2)

Literature cited by the submitters: DOI 10.1016/j.ajhg.2021.09.005.